The following is an entry in ClinVar:

ClinVar aggregate classification (germline): Benign/Likely benign. Review status: criteria provided, multiple submitters, no conflicts (2 of 4 stars). 4 submissions from 3 submitters: Benign (3); Likely benign (1). Last evaluated 2021-05-10.

Conditions:
Lethal multiple pterygium syndrome (LMPS). Identifiers: Orphanet 33108, MedGen C1854678, MONDO:0009668, OMIM 253290.
Congenital myasthenic syndrome (CMS). Also called: Congenital Myasthenic Syndromes. Identifiers: Orphanet 590, MedGen C0751882, MeSH D020294, MONDO:0018940.

Allele frequency attached by ClinVar (database versions not stated): 1000 Genomes Project 30x 0.05637; 1000 Genomes Project 0.05771; TOPMed 0.06558; gnomAD 0.06579 and 0.06602; ExAC 0.06728; gnomAD exomes 0.07936.
gnomAD v4.1: 34,812 of 457,964 alleles (7.6%); highest among the groups gnomAD compares: Admixed American, 10%; 1,509 homozygotes.

Submissions (4):

GeneDx
Classification: Benign. Last evaluated: 2021-05-10. Review status: criteria provided, single submitter. Criteria: GeneDx Variant Classification Process June 2021. Collection method: clinical testing. Allele origin: germline. Affected: yes.

Illumina Laboratory Services, Illumina
Classification: Benign for Lethal multiple pterygium syndrome. Last evaluated: 2018-01-12. Review status: criteria provided, single submitter. Criteria: ICSL Variant Classification Criteria 13 December 2019. Collection method: clinical testing. Allele origin: germline.
Comment: This variant was observed in the ICSL laboratory as part of a predisposition screen in an ostensibly healthy population. It had not been previously curated by ICSL or reported in the Human Gene Mutation Database (HGMD: prior to June 1st, 2018), and was therefore a candidate for classification through an automated scoring system. Utilizing variant allele frequency, disease prevalence and penetrance estimates, and inheritance mode, an automated score was calculated to assess if this variant is too frequent to cause the disease. Based on the score and internal cut-off values, a variant classified as benign is not then subjected to further curation. The score for this variant resulted in a classification of benign for this disease.

Illumina Laboratory Services, Illumina
Classification: Benign for Congenital myasthenic syndrome. Last evaluated: 2018-01-12. Review status: criteria provided, single submitter. Criteria: ICSL Variant Classification Criteria 13 December 2019. Collection method: clinical testing. Allele origin: germline.
Comment: the same text as in the submission from Illumina Laboratory Services, Illumina above.

Breakthrough Genomics
Classification: Likely benign. Review status: criteria provided, single submitter. Criteria: ACMG Guidelines, 2015. Collection method: not provided. Allele origin: germline. Inheritance: Autosomal recessive inheritance. Affected: yes.

NM_000751.3(CHRND):c.*424C>T

Gene: CHRND (cholinergic receptor nicotinic delta subunit; plus strand). Cytogenetic location: 2q37.1.
Variant type: single nucleotide variant.
Coding change: c.*424C>T on transcript NM_000751.3 (MANE Select); 424 bases downstream of the stop codon, C replaced by T.
Molecular consequence: 3 prime UTR variant.
Genome position (GRCh38, 1-based): chr2:232,535,736, C>T. VCF-style: chr2-232535736-C-T. GRCh37 (hg19) VCF-style: chr2-233400446-C-T.
Other names: c.*424C>T (NM_001256657.2, NM_001311195.2, NM_001311196.2).
Identifiers: ClinVar variation 334983 (VCV000334983.9), dbSNP rs4973046, ClinGen allele CA2168430.
Genomic context (GRCh38, chr2:232,535,736, plus strand): 5'-GCAGGCAGGAATCTGCGCCTTCACTCTCTGGCCCCTCCAGCCTCCCTCTTCCTACCTACC[C>T]TTCAACCTCAGGCTTCTGAGGCCTCACCTGGGACTGAGGTTGAGGACACCTCCCTCCCTC-3'